The following is an entry in ClinVar:

ClinVar aggregate classification (germline): Likely benign (1 of 4 stars; one submission).

Conditions:
Familial adenomatous polyposis 1 (FAP1). Also called: POLYPOSIS, ADENOMATOUS INTESTINAL; FAMILIAL ADENOMATOUS POLYPOSIS 1, ATTENUATED. Identifiers: MedGen C2713442, MONDO:0021056, OMIM 175100. Disease mechanism: loss of function.

gnomAD v4.1: 1 of 1,578,136 alleles (0.000063%); no homozygotes.

Submission:

Myriad Genetics, Inc.
Classification: Likely benign for Familial adenomatous polyposis 1. Last evaluated: 2024-03-06. Review status: criteria provided, single submitter. Criteria: Myriad Autosomal Dominant, Autosomal Recessive and X-Linked Classification Criteria (2023). Collection method: clinical testing. Allele origin: unknown.
Comment: This variant is considered likely benign. This variant is intronic and is not expected to impact mRNA splicing.

NM_000038.6(APC):c.1743+10A>G

Gene: APC (APC regulator of Wnt signaling pathway; plus strand). Cytogenetic location: 5q22.2.
Variant type: single nucleotide variant.
Coding change: c.1743+10A>G on transcript NM_000038.6 (MANE Select); 10 bases into the intron after coding-DNA position 1743, A replaced by G.
Molecular consequence: intron variant.
Genome position (GRCh38, 1-based): chr5:112,828,982, A>G. VCF-style: chr5-112828982-A-G. GRCh37 (hg19) VCF-style: chr5-112164679-A-G.
Other names: c.894+10A>G (NM_001407470.1, NM_001354906.2); c.591+10A>G (NM_001407472.1, NM_001407471.1); c.1797+10A>G (NM_001407447.1, NM_001407448.1, NM_001407449.1 and 1 more transcripts); c.1743+10A>G (NM_001354895.2, NM_001407450.1, NM_001127510.3); c.1494+10A>G (NM_001407456.1, NM_001407457.1, NM_001407455.1 and 1 more transcripts); c.1440+10A>G (NM_001407460.1, NM_001407458.1, NM_001407459.1 and 1 more transcripts); c.1713+10A>G (NM_001407452.1); c.1356+10A>G (NM_001407469.1, NM_001407467.1); and 11 more.
Identifiers: ClinVar variation 3148009 (VCV003148009.1), dbSNP rs2533248418, ClinGen allele CA2674856523.